The following is an entry in ClinVar:

NM_002661.5(PLCG2):c.1035C>T (p.Tyr345=)

Gene: PLCG2 (phospholipase C gamma 2; plus strand). Cytogenetic location: 16q23.3.
Variant type: single nucleotide variant.
Coding change: c.1035C>T on transcript NM_002661.5 (MANE Select); coding-DNA position 1035, C replaced by T.
Protein change: p.Tyr345=; no amino-acid change (tyrosine 345 retained).
Molecular consequence: synonymous variant.
Genome position (GRCh38, 1-based): chr16:81,893,757, C>T. VCF-style: chr16-81893757-C-T. GRCh37 (hg19) VCF-style: chr16-81927362-C-T.
Identifiers: ClinVar variation 2646897 (VCV002646897.26), dbSNP rs751274183, ClinGen allele CA8193554.

ClinVar aggregate classification (germline): Likely benign. Review status: criteria provided, multiple submitters, no conflicts (2 of 4 stars). 2 submissions from 2 submitters: Likely benign (2). Last evaluated 2025-05-13.

Conditions:
Familial cold autoinflammatory syndrome 3 (FCAS3). Also called: FAMILIAL ATYPICAL COLD URTICARIA; ANTIBODY DEFICIENCY AND IMMUNE DYSREGULATION, PLCG2-ASSOCIATED. Identifiers: Orphanet 300359, MedGen C3280914, MONDO:0013766, OMIM 614468.

Allele frequency attached by ClinVar (database versions not stated): ExAC 0.00001; gnomAD 0.00001; gnomAD exomes 0.00001; TOPMed 0.00001.
gnomAD v4.1: 21 of 1,612,744 alleles (0.0013%); highest among the groups gnomAD compares: Middle Eastern, 0.033%; no homozygotes.

Submissions (2):

Labcorp Genetics (formerly Invitae), Labcorp
Classification: Likely benign for Familial cold autoinflammatory syndrome 3. Last evaluated: 2025-05-13. Review status: criteria provided, single submitter. Criteria: Invitae Variant Classification Sherloc (09022015). Collection method: clinical testing. Allele origin: germline.

CeGaT Center for Human Genetics Tuebingen
Classification: Likely benign. Last evaluated: 2023-10-01. Review status: criteria provided, single submitter. Criteria: CeGaT Center For Human Genetics Tuebingen Variant Classification Criteria Version 2. Collection method: clinical testing. Allele origin: germline. Affected: yes. Observed: 1 variant allele.
Comment: PLCG2: BP4, BP7